The following is an entry in ClinVar:

ClinVar aggregate classification (germline): Likely benign. Review status: criteria provided, multiple submitters, no conflicts (2 of 4 stars). 3 submissions from 3 submitters: Likely benign (3). Last evaluated 2026-01-09.

Conditions:
Immunodeficiency 104. Also called: Severe Combined Immune Deficiency, Autosomal Recessive, TCell -Negative, B Cell-Positive, NK Cell-Positive, IL7R-Related; Severe combined immunodeficiency, autosomal recessive, T cell-negative, B cell-positive, NK cell-positive; SCID, AUTOSOMAL RECESSIVE, T CELL-NEGATIVE, B CELL-POSITIVE, NK CELL-POSITIVE; IMMUNODEFICIENCY 104, SEVERE COMBINED. Identifiers: MedGen C5676890, MONDO:0012163, OMIM 608971.

Allele frequency attached by ClinVar (database versions not stated): gnomAD 0.00007; TOPMed 0.00008; gnomAD exomes 0.00013 and 0.00018; ExAC 0.00018.
gnomAD v4.1: 269 of 1,609,722 alleles (0.017%); highest among the groups gnomAD compares: Non-Finnish European, 0.021%; 1 homozygote.

Submissions (3):

Labcorp Genetics (formerly Invitae), Labcorp
Classification: Likely benign for Immunodeficiency 104. Last evaluated: 2026-01-09. Review status: criteria provided, single submitter. Criteria: Invitae Variant Classification Sherloc (09022015). Collection method: clinical testing. Allele origin: germline.

Blueprint Genetics
Classification: Likely benign. Last evaluated: 2024-03-20. Review status: criteria provided, single submitter. Criteria: ACMG Guidelines, 2015. Collection method: clinical testing. Allele origin: germline.

GeneDx
Classification: Likely benign. Last evaluated: 2016-02-15. Review status: criteria provided, single submitter. Criteria: GeneDx Variant Classification (06012015). Collection method: clinical testing. Allele origin: germline. Affected: yes.
Comment: This variant is considered likely benign or benign based on one or more of the following criteria: it is a conservative change, it occurs at a poorly conserved position in the protein, it is predicted to be benign by multiple in silico algorithms, and/or has population frequency not consistent with disease.

NM_002838.5(PTPRC):c.2404-13A>G

Gene: PTPRC (protein tyrosine phosphatase receptor type C; plus strand). Cytogenetic location: 1q32.1.
Variant type: single nucleotide variant.
Coding change: c.2404-13A>G on transcript NM_002838.5 (MANE Select); 13 bases into the intron before coding-DNA position 2404, A replaced by G.
Molecular consequence: intron variant.
Genome position (GRCh38, 1-based): chr1:198,741,856, A>G. VCF-style: chr1-198741856-A-G. GRCh37 (hg19) VCF-style: chr1-198710985-A-G.
Other names: c.1921-13A>G (NM_080921.4).
Identifiers: ClinVar variation 378447 (VCV000378447.10), dbSNP rs781530913, ClinGen allele CA1315116.